The following is an entry in ClinVar:

ClinVar aggregate classification (germline): Uncertain significance. Review status: criteria provided, multiple submitters, no conflicts (2 of 4 stars). 2 submissions from 2 submitters: Uncertain significance (2). Last evaluated 2024-09-24.

Conditions:
Familial sleep-related hypermotor epilepsy. Also called: Autosomal Dominant Sleep-Related Hypermotor (Hyperkinetic) Epilepsy. Identifiers: Orphanet 98784, MedGen C3696898, MONDO:0000030.

Allele frequency attached by ClinVar (database versions not stated): ExAC 0.00001.

Submissions (2):

Labcorp Genetics (formerly Invitae), Labcorp
Classification: Uncertain significance. Last evaluated: 2024-09-24. Review status: criteria provided, single submitter. Criteria: Invitae Variant Classification Sherloc (09022015). Collection method: clinical testing. Allele origin: germline.
Comment: This sequence change replaces isoleucine, which is neutral and non-polar, with valine, which is neutral and non-polar, at codon 475 of the CHRNB2 protein (p.Ile475Val). This variant is present in population databases (rs202135710, gnomAD 0.0009%). This missense change has been observed in individual(s) with clinical features of CHRNB2-related conditions (PMID: 37033539). ClinVar contains an entry for this variant (Variation ID: 837494). Invitae Evidence Modeling of protein sequence and biophysical properties (such as structural, functional, and spatial information, amino acid conservation, physicochemical variation, residue mobility, and thermodynamic stability) indicates that this missense variant is not expected to disrupt CHRNB2 protein function with a negative predictive value of 80%. In summary, the available evidence is currently insufficient to determine the role of this variant in disease. Therefore, it has been classified as a Variant of Uncertain Significance.

GeneDx
Classification: Uncertain significance. Last evaluated: 2023-06-20. Review status: criteria provided, single submitter. Criteria: GeneDx Variant Classification Process June 2021. Collection method: clinical testing. Allele origin: germline. Affected: yes.
Comment: Reported previously as a paternally inherited variant in two siblings with focal onset seizures who also harbored other variants; father was unaffected (Xu et al., 2023); Not observed at significant frequency in large population cohorts (gnomAD); In silico analysis supports that this missense variant does not alter protein structure/function; This variant is associated with the following publications: (PMID: 37033539)

Literature cited by the submitters: PubMed 37033539 (cited by Labcorp Genetics (formerly Invitae), Labcorp).

NM_000748.3(CHRNB2):c.1423A>G (p.Ile475Val)

Gene: CHRNB2 (cholinergic receptor nicotinic beta 2 subunit; plus strand). Cytogenetic location: 1q21.3.
Variant type: single nucleotide variant.
Coding change: c.1423A>G on transcript NM_000748.3 (MANE Select); coding-DNA position 1423, A replaced by G.
Protein change: p.Ile475Val; replaces isoleucine 475 with valine.
Molecular consequence: missense variant.
Genome position (GRCh38, 1-based): chr1:154,575,846, A>G. VCF-style: chr1-154575846-A-G. GRCh37 (hg19) VCF-style: chr1-154548322-A-G.
Other names: short protein forms I475V.
Identifiers: ClinVar variation 837494 (VCV000837494.10), dbSNP rs202135710, ClinGen allele CA1130879.